The following is an entry in ClinVar:

NM_002474.3(MYH11):c.5676G>A (p.Glu1892=)

Genes: NDE1 (nudE neurodevelopment protein 1; plus strand), MYH11 (myosin heavy chain 11; minus strand). Cytogenetic location: 16p13.11.
Variant type: single nucleotide variant.
Coding change: c.5676G>A on transcript NM_002474.3 (MANE Select); coding-DNA position 5676, G replaced by A.
Protein change: p.Glu1892=; no amino-acid change (glutamic acid 1892 retained).
Molecular consequence: synonymous variant. On other transcripts: intron variant (2).
Genome position (GRCh38, 1-based): chr16:15,715,019, C>T on the plus strand (G>A on the coding strand, the complement: MYH11 is on the minus strand). VCF-style: chr16-15715019-C-T. GRCh37 (hg19) VCF-style: chr16-15808876-C-T.
Other names: c.5697G>A, p.Glu1899= (NM_001040113.2, NM_001040114.2); c.5676G>A, p.Glu1892= (NM_022844.3); c.948-9172C>T (NM_001143979.2, NM_017668.3).
Identifiers: ClinVar variation 2625327 (VCV002625327.5), dbSNP rs113964173, ClinGen allele CA7921169.

ClinVar aggregate classification (germline): Likely benign. Review status: criteria provided, multiple submitters, no conflicts (2 of 4 stars). 3 submissions from 3 submitters: Likely benign (3). Last evaluated 2023-08-25.

Conditions:
Familial thoracic aortic aneurysm and aortic dissection (TAAD). Also called: Thoracic aortic aneurysms and dissections. Identifiers: Orphanet 91387, MedGen C4707243, MONDO:0019625.

Allele frequency attached by ClinVar (database versions not stated): 1000 Genomes Project 30x 0.00016.
gnomAD v4.1: 7 of 1,613,986 alleles (0.00043%); highest among the groups gnomAD compares: Non-Finnish European, 0.000085%; no homozygotes.

Submissions (3):

Ambry Genetics
Classification: Likely benign for Familial thoracic aortic aneurysm and aortic dissection. Last evaluated: 2023-08-25. Review status: criteria provided, single submitter. Criteria: Ambry Variant Classification Scheme 2023. Collection method: clinical testing. Allele origin: germline.

All of Us Research Program, National Institutes of Health
Classification: Likely benign for Familial thoracic aortic aneurysm and aortic dissection. Last evaluated: 2023-04-28. Review status: criteria provided, single submitter. Criteria: ACMG Guidelines, 2015. Collection method: clinical testing. Allele origin: germline. Inheritance: Autosomal dominant inheritance. Observed: 3 variant alleles, 3 heterozygotes.
Comment: This study involves interpretation of variants in research participants for the purpose of population health screening. Participant phenotype was not available at the time of variant classification. Additional details can be found in publication PMID: 35346344, PMCID: PMC8962531

Color Diagnostics, LLC DBA Color Health
Classification: Likely benign for Familial thoracic aortic aneurysm and aortic dissection. Last evaluated: 2022-11-06. Review status: criteria provided, single submitter. Criteria: ACMG Guidelines, 2015. Collection method: clinical testing. Allele origin: germline.